The following is an entry in ClinVar:

ClinVar aggregate classification (germline): Uncertain significance (1 of 4 stars; one submission).

Conditions:
Inborn genetic diseases. Identifiers: MedGen C0950123, MeSH D030342.

Submission:

Ambry Genetics
Classification: Uncertain significance for Inborn genetic diseases. Last evaluated: 2026-08-29. Review status: criteria provided, single submitter. Criteria: Ambry Variant Classification Scheme 2023. Collection method: clinical testing. Allele origin: germline.
Comment: The p.Y413H variant (also known as c.1237T>C), located in coding exon 1 of the SAMD9L gene, results from a T to C substitution at nucleotide position 1237. The tyrosine at codon 413 is replaced by histidine, an amino acid with similar properties. This amino acid position is conserved. In addition, this alteration is predicted to be tolerated by in silico analysis. Based on the available evidence, the clinical significance of this variant remains unclear.

NM_152703.5(SAMD9L):c.1237T>C (p.Tyr413His)

Gene: SAMD9L (sterile alpha motif domain containing 9 like; minus strand). Cytogenetic location: 7q21.2.
Variant type: single nucleotide variant.
Coding change: c.1237T>C on transcript NM_152703.5 (MANE Select); coding-DNA position 1237, T replaced by C.
Protein change: p.Tyr413His; replaces tyrosine 413 with histidine.
Molecular consequence: missense variant.
Genome position (GRCh38, 1-based): chr7:93,134,735, A>G on the plus strand (T>C on the coding strand, the complement: SAMD9L is on the minus strand). VCF-style: chr7-93134735-A-G. GRCh37 (hg19) VCF-style: chr7-92764048-A-G.
Other names: c.1237T>C, p.Tyr413His (NM_001303496.3, NM_001303497.3, NM_001303498.3 and 5 more transcripts); short protein forms Y413H.
Identifiers: ClinVar variation 5028975 (VCV005028975.1).
Genomic context (GRCh38, chr7:93,134,735, plus strand): 5'-CTAAGTGCTTTATTTGGTTTGGATGGCATTTATTTGTTACAAGAATGTACCAGTCATAGT[A>G]TGAATTATCCAGTGAGTCTCGGTTTCCTATGAGAAGTTTAACCAGCTTTAGTCCTTCACT-3'
Protein context (NP_689916.2, residues 403-423): IGNRDSLDNS[Tyr413His]YDWYILVTNK